The following is an entry in ClinVar:

ClinVar aggregate classification (germline): Conflicting classifications of pathogenicity. Review status: criteria provided, conflicting classifications (1 of 4 stars). 3 submissions from 3 submitters: Uncertain significance (2); Benign (1). Last evaluated 2026-06-04.

Conditions:
Vitamin B2 deficiency. Identifiers: MedGen C0035528.
SLC52A1-related disorder. Also called: SLC52A1-related condition.

Submissions (3):

PreventionGenetics, part of Exact Sciences
Classification: Uncertain significance for SLC52A1-related condition. Last evaluated: 2026-06-04. Review status: criteria provided, single submitter. Criteria: ACMG Guidelines, 2015. Collection method: clinical testing. Allele origin: germline.
Comment: The SLC52A1 c.1062delC variant is predicted to result in a frameshift and premature protein termination (p.Tyr355Thrfs*2). To our knowledge, this variant has not been reported in the literature. This variant is reported in 0.16% of alleles in individuals of African descent in gnomAD. Although we suspect that this variant may be benign, at this time, the clinical significance of this variant is uncertain due to the absence of conclusive functional and genetic evidence.

CeGaT Center for Human Genetics Tuebingen
Classification: Benign. Last evaluated: 2025-03-01. Review status: criteria provided, single submitter. Criteria: CeGaT Center For Human Genetics Tuebingen Variant Classification Criteria Version 2. Collection method: clinical testing. Allele origin: germline. Affected: yes. Observed: 1 variant allele.
Comment: SLC52A1: BS1, BS2

Labcorp Genetics (formerly Invitae), Labcorp
Classification: Uncertain significance for Vitamin B2 deficiency. Last evaluated: 2024-05-22. Review status: criteria provided, single submitter. Criteria: Invitae Variant Classification Sherloc (09022015). Collection method: clinical testing. Allele origin: germline.
Comment: This sequence change creates a premature translational stop signal (p.Tyr355Thrfs*2) in the SLC52A1 gene. It is expected to result in an absent or disrupted protein product. However, the current clinical and genetic evidence is not sufficient to establish whether loss-of-function variants in SLC52A1 cause disease. This variant is present in population databases (rs537206157, gnomAD 0.2%), and has an allele count higher than expected for a pathogenic variant. This variant has not been reported in the literature in individuals affected with SLC52A1-related conditions. ClinVar contains an entry for this variant (Variation ID: 662101). Algorithms developed to predict the effect of sequence changes on RNA splicing suggest that this variant may disrupt the consensus splice site. In summary, the available evidence is currently insufficient to determine the role of this variant in disease. Therefore, it has been classified as a Variant of Uncertain Significance.

NM_017986.4(SLC52A1):c.1062del (p.Tyr355fs)

Gene: SLC52A1 (solute carrier family 52 member 1; minus strand). Cytogenetic location: 17p13.2.
Variant type: Deletion.
Coding change: c.1062del on transcript NM_017986.4 (MANE Select); coding-DNA position 1062, one base deleted (C; older notation c.1062delC).
Protein change: p.Tyr355fs; shifts the reading frame from tyrosine 355.
Molecular consequence: frameshift variant.
Genome position (GRCh38, 1-based): chr17:5,033,333, G deleted on the plus strand (C on the coding strand, the reverse complement: SLC52A1 is on the minus strand); the first of 2 consecutive G bases (chr17:5,033,333-5,033,334); deleting either gives the same sequence. VCF-style (leftmost placement, unchanged base first): chr17-5033332-AG-A. GRCh37 (hg19) VCF-style: chr17-4936627-AG-A.
Other names: c.1062delC (NM_001104577.1); c.1062del, p.Tyr355fs (NM_001104577.2); short protein forms Y355fs.
Identifiers: ClinVar variation 662101 (VCV000662101.17), dbSNP rs537206157, ClinGen allele CA8319639.